The following is an entry in ClinVar:

NM_001164508.2(NEB):c.5864T>C (p.Ile1955Thr)

Gene: NEB (nebulin; minus strand). Cytogenetic location: 2q23.3.
Variant type: single nucleotide variant.
Coding change: c.5864T>C on transcript NM_001164508.2 (MANE Select); coding-DNA position 5864, T replaced by C.
Protein change: p.Ile1955Thr; replaces isoleucine 1955 with threonine.
Molecular consequence: missense variant.
Genome position (GRCh38, 1-based): chr2:151,662,241, A>G on the plus strand (T>C on the coding strand, the complement: NEB is on the minus strand). VCF-style: chr2-151662241-A-G. GRCh37 (hg19) VCF-style: chr2-152518755-A-G.
Other names: c.5864T>C, p.Ile1955Thr (NM_001164507.2, NM_001271208.2, NM_004543.5); short protein forms I1955T.
Identifiers: ClinVar variation 1969107 (VCV001969107.2), dbSNP rs2552255543, ClinGen allele CA348806181.

ClinVar aggregate classification (germline): Uncertain significance (1 of 4 stars; one submission).

Conditions:
Nemaline myopathy 2 (NEM2). Also called: Nemaline myopathy 2, autosomal recessive. Identifiers: MedGen C1850569, MONDO:0009725, OMIM 256030.

Allele frequency attached by ClinVar (database versions not stated): gnomAD exomes below 0.00001.
gnomAD v4.1: 2 of 1,613,680 alleles (0.00012%); highest among the groups gnomAD compares: Non-Finnish European, 0.00017%; no homozygotes.

Submission:

Labcorp Genetics (formerly Invitae), Labcorp
Classification: Uncertain significance for Nemaline myopathy 2. Last evaluated: 2022-06-08. Review status: criteria provided, single submitter. Criteria: Invitae Variant Classification Sherloc (09022015). Collection method: clinical testing. Allele origin: germline.
Comment: This sequence change replaces isoleucine, which is neutral and non-polar, with threonine, which is neutral and polar, at codon 1955 of the NEB protein (p.Ile1955Thr). This variant is not present in population databases (gnomAD no frequency). This variant has not been reported in the literature in individuals affected with NEB-related conditions. Algorithms developed to predict the effect of missense changes on protein structure and function are either unavailable or do not agree on the potential impact of this missense change (SIFT: "Deleterious"; PolyPhen-2: "Not Available"; Align-GVGD: "Class C0"). In summary, the available evidence is currently insufficient to determine the role of this variant in disease. Therefore, it has been classified as a Variant of Uncertain Significance.